The following is an entry in ClinVar:

NM_001035.3(RYR2):c.356T>C (p.Ile119Thr)

Gene: RYR2 (ryanodine receptor 2; plus strand). Cytogenetic location: 1q43.
Variant type: single nucleotide variant.
Coding change: c.356T>C on transcript NM_001035.3 (MANE Select); coding-DNA position 356, T replaced by C.
Protein change: p.Ile119Thr; replaces isoleucine 119 with threonine.
Molecular consequence: missense variant.
Genome position (GRCh38, 1-based): chr1:237,369,580, T>C. VCF-style: chr1-237369580-T-C. GRCh37 (hg19) VCF-style: chr1-237532880-T-C.
Other names: c.356T>C (NM_001035.2); short protein forms I119T.
Identifiers: ClinVar variation 1171306 (VCV001171306.5), dbSNP rs1700481043, ClinGen allele CA345655004.

ClinVar aggregate classification (germline): Uncertain significance. Review status: criteria provided, multiple submitters, no conflicts (2 of 4 stars). 2 submissions from 2 submitters: Uncertain significance (2). Last evaluated 2025-07-01.

Conditions:
Cardiomyopathy (CMYO). Also called: Cardiomyopathies. Identifiers: Orphanet 167848, MedGen C0878544, MONDO:0004994, HP:0001638. Inheritance: Various modes of inheritance.
Cardiovascular phenotype. Identifiers: MedGen CN230736.

Allele frequency attached by ClinVar (database versions not stated): gnomAD exomes below 0.00001.
gnomAD v4.1: 1 of 1,564,426 alleles (0.000064%); highest among the groups gnomAD compares: Non-Finnish European, 0.000087%; no homozygotes.

Submissions (2):

Color Diagnostics, LLC DBA Color Health
Classification: Uncertain significance for Cardiomyopathy. Last evaluated: 2025-07-01. Review status: criteria provided, single submitter. Criteria: ACMG Guidelines, 2015. Collection method: clinical testing. Allele origin: germline.
Comment: This missense variant replaces isoleucine with threonine at codon 119 of the RYR2 protein. Computational prediction suggests that this variant may have a deleterious impact on protein structure and function. To our knowledge, functional studies have not been reported for this variant. This variant has not been reported in individuals affected with RYR2-related disorders in the literature. This variant has not been identified in the general population by the Genome Aggregation Database (gnomAD). The available evidence is insufficient to determine the role of this variant in disease conclusively. Therefore, this variant is classified as a Variant of Uncertain Significance.

Ambry Genetics
Classification: Uncertain significance for Cardiovascular phenotype. Last evaluated: 2023-03-13. Review status: criteria provided, single submitter. Criteria: Ambry Variant Classification Scheme 2023. Collection method: clinical testing. Allele origin: germline.
Comment: The p.I119T variant (also known as c.356T>C), located in coding exon 6 of the RYR2 gene, results from a T to C substitution at nucleotide position 356. The isoleucine at codon 119 is replaced by threonine, an amino acid with similar properties. This alteration was reported in a cohort of reportedly healthy individuals (Bajaj A et al. Hum Genomics, 2022 Aug;16:30). This amino acid position is well conserved in available vertebrate species. In addition, the in silico prediction for this alteration is inconclusive. Since supporting evidence is limited at this time, the clinical significance of this alteration remains unclear.

Literature cited by the submitters: PubMed 35932045 (cited by Ambry Genetics).